The following is an entry in ClinVar:

ClinVar aggregate classification (germline): Pathogenic (1 of 4 stars; one submission).

Conditions:
Familial thoracic aortic aneurysm and aortic dissection (TAAD). Also called: Thoracic aortic aneurysms and dissections. Identifiers: Orphanet 91387, MedGen C4707243, MONDO:0019625.

Submission:

Ambry Genetics
Classification: Pathogenic for Familial thoracic aortic aneurysm and aortic dissection. Last evaluated: 2020-12-31. Review status: criteria provided, single submitter. Criteria: Ambry Variant Classification Scheme 2023. Collection method: clinical testing. Allele origin: germline.
Comment: The c.454delA pathogenic mutation, located in coding exon 5 of the FBN1 gene, results from a deletion of one nucleotide at nucleotide position 454, causing a translational frameshift with a predicted alternate stop codon (p.S152Vfs*38). This alteration is expected to result in loss of function by premature protein truncation or nonsense-mediated mRNA decay. As such, this alteration is interpreted as a disease-causing mutation.

NM_000138.5(FBN1):c.454del (p.Ser152fs)

Gene: FBN1 (fibrillin 1; minus strand). Cytogenetic location: 15q21.1.
Variant type: Deletion.
Coding change: c.454del on transcript NM_000138.5 (MANE Select); coding-DNA position 454, one base deleted (A; older notation c.454delA).
Protein change: p.Ser152fs; shifts the reading frame from serine 152.
Molecular consequence: frameshift variant.
Genome position (GRCh38, 1-based): chr15:48,596,367, T deleted on the plus strand (A on the coding strand, the reverse complement: FBN1 is on the minus strand); the first of 3 consecutive T bases (chr15:48,596,367-48,596,369); deleting any one gives the same sequence. VCF-style (leftmost placement, unchanged base first): chr15-48596366-CT-C. GRCh37 (hg19) VCF-style: chr15-48888563-CT-C.
Other names: c.452delA, p.Ser152Valfs (NM_001406716.1, NM_001406717.1); c.454delA (NM_000138.4); short protein forms S152fs.
Identifiers: ClinVar variation 1741421 (VCV001741421.2), dbSNP rs2505755152, ClinGen allele CA2580089567.